The following is an entry in ClinVar:

ClinVar aggregate classification (germline): Uncertain significance. Review status: criteria provided, multiple submitters, no conflicts (2 of 4 stars). 5 submissions from 5 submitters: Uncertain significance (5). Last evaluated 2025-08-01.

Conditions:
Inborn genetic diseases. Identifiers: MedGen C0950123, MeSH D030342.
Hereditary spastic paraplegia 7 (SPG7). Also called: Autosomal recessive spastic paraplegia type 7; SPG7-related neurologic disorder; Spastic paraplegia 7; Hereditary spastic paraplegia Paraplegin type; SPASTIC PARAPLEGIA 7, AUTOSOMAL RECESSIVE, WITH OR WITHOUT CEREBELLAR ATAXIA. Identifiers: Orphanet 99013, MedGen C1846564, MONDO:0011803, OMIM 607259.

Allele frequency attached by ClinVar (database versions not stated): gnomAD exomes below 0.00001; gnomAD 0.00001; TOPMed 0.00001.
gnomAD v4.1: 14 of 1,614,026 alleles (0.00087%); highest among the groups gnomAD compares: East Asian, 0.0067%; no homozygotes.

Submissions (5):

GeneDx
Classification: Uncertain significance. Last evaluated: 2025-08-01. Review status: criteria provided, single submitter. Criteria: GeneDx Variant Classification Process June 2021. Collection method: clinical testing. Allele origin: germline.
Comment: In silico analysis suggests that this missense variant does not alter protein structure/function; Has not been previously published as pathogenic or benign to our knowledge; This variant is associated with the following publications: (PMID: 22571692)

Labcorp Genetics (formerly Invitae), Labcorp
Classification: Uncertain significance for Hereditary spastic paraplegia 7. Last evaluated: 2024-12-09. Review status: criteria provided, single submitter. Criteria: Invitae Variant Classification Sherloc (09022015). Collection method: clinical testing. Allele origin: germline.
Comment: This sequence change replaces lysine, which is basic and polar, with arginine, which is basic and polar, at codon 291 of the SPG7 protein (p.Lys291Arg). This variant is present in population databases (no rsID available, gnomAD 0.01%). This variant has not been reported in the literature in individuals affected with SPG7-related conditions. ClinVar contains an entry for this variant (Variation ID: 2436311). Invitae Evidence Modeling of protein sequence and biophysical properties (such as structural, functional, and spatial information, amino acid conservation, physicochemical variation, residue mobility, and thermodynamic stability) indicates that this missense variant is not expected to disrupt SPG7 protein function with a negative predictive value of 80%. In summary, the available evidence is currently insufficient to determine the role of this variant in disease. Therefore, it has been classified as a Variant of Uncertain Significance.

Ambry Genetics
Classification: Uncertain significance for Inborn genetic diseases. Last evaluated: 2024-08-01. Review status: criteria provided, single submitter. Criteria: Ambry Variant Classification Scheme 2023. Collection method: clinical testing. Allele origin: germline.

Revvity Omics, Revvity
Classification: Uncertain significance for Hereditary spastic paraplegia 7. Last evaluated: 2024-04-04. Review status: criteria provided, single submitter. Criteria: ACMG Guidelines, 2015. Collection method: clinical testing. Allele origin: germline.

Blueprint Genetics
Classification: Uncertain significance. Last evaluated: 2022-06-02. Review status: criteria provided, single submitter. Criteria: ACMG Guidelines, 2015. Collection method: clinical testing. Allele origin: germline.

NM_003119.4(SPG7):c.872A>G (p.Lys291Arg)

Gene: SPG7 (SPG7 matrix AAA peptidase subunit, paraplegin; plus strand). Cytogenetic location: 16q24.3.
Variant type: single nucleotide variant.
Coding change: c.872A>G on transcript NM_003119.4 (MANE Select); coding-DNA position 872, A replaced by G.
Protein change: p.Lys291Arg; replaces lysine 291 with arginine.
Molecular consequence: missense variant.
Genome position (GRCh38, 1-based): chr16:89,530,693, A>G. VCF-style: chr16-89530693-A-G. GRCh37 (hg19) VCF-style: chr16-89597101-A-G.
Other names: c.872A>G, p.Lys291Arg (NM_001363850.1, NM_199367.3); short protein forms K291R.
Identifiers: ClinVar variation 2436311 (VCV002436311.9), dbSNP rs1476574056, ClinGen allele CA397418874.